The following is an entry in ClinVar:

ClinVar aggregate classification (germline): Uncertain significance (1 of 4 stars; one submission).

Submission:

Labcorp Genetics (formerly Invitae), Labcorp
Classification: Uncertain significance. Last evaluated: 2024-10-22. Review status: criteria provided, single submitter. Criteria: Invitae Variant Classification Sherloc (09022015). Collection method: clinical testing. Allele origin: germline.
Comment: This sequence change creates a premature translational stop signal (p.Gln407*) in the ZNF687 gene. It is expected to result in an absent or disrupted protein product. However, the current clinical and genetic evidence is not sufficient to establish whether loss-of-function variants in ZNF687 cause disease. This variant is not present in population databases (gnomAD no frequency). This variant has not been reported in the literature in individuals affected with ZNF687-related conditions. In summary, the available evidence is currently insufficient to determine the role of this variant in disease. Therefore, it has been classified as a Variant of Uncertain Significance.

NM_020832.3(ZNF687):c.1219C>T (p.Gln407Ter)

Gene: ZNF687 (zinc finger protein 687; plus strand). Cytogenetic location: 1q21.3.
Variant type: single nucleotide variant.
Coding change: c.1219C>T on transcript NM_020832.3 (MANE Select); coding-DNA position 1219, C replaced by T.
Protein change: p.Gln407Ter; replaces glutamine 407 with a stop codon.
Molecular consequence: nonsense.
Genome position (GRCh38, 1-based): chr1:151,287,510, C>T. VCF-style: chr1-151287510-C-T. GRCh37 (hg19) VCF-style: chr1-151259986-C-T.
Other names: c.1219C>T, p.Gln407Ter (NM_001304763.2, NM_001304764.2); short protein forms Q407*.
Identifiers: ClinVar variation 3661849 (VCV003661849.2).